The following is an entry in ClinVar:

ClinVar aggregate classification (germline): Uncertain significance (1 of 4 stars; one submission).

Conditions:
Hereditary spastic paraplegia 47. Also called: CEREBRAL PALSY, SPASTIC QUADRIPLEGIC, 5; adaptor protein 4 (AP-4) deficiency syndrome; Spastic paraplegia 47, autosomal recessive. Identifiers: Orphanet 280763, MedGen C3279738, MONDO:0013551, OMIM 614066.

Submission:

Labcorp Genetics (formerly Invitae), Labcorp
Classification: Uncertain significance for Hereditary spastic paraplegia 47. Last evaluated: 2021-08-24. Review status: criteria provided, single submitter. Criteria: Invitae Variant Classification Sherloc (09022015). Collection method: clinical testing. Allele origin: germline.
Comment: This sequence change replaces leucine with phenylalanine at codon 694 of the AP4B1 protein (p.Leu694Phe). The leucine residue is highly conserved and there is a small physicochemical difference between leucine and phenylalanine. This variant is not present in population databases (ExAC no frequency). This variant has not been reported in the literature in individuals affected with AP4B1-related conditions. Algorithms developed to predict the effect of missense changes on protein structure and function are either unavailable or do not agree on the potential impact of this missense change (SIFT: "Deleterious"; PolyPhen-2: "Probably Damaging"; Align-GVGD: "Class C15"). Algorithms developed to predict the effect of sequence changes on RNA splicing suggest that this variant is not likely to affect RNA splicing. In summary, the available evidence is currently insufficient to determine the role of this variant in disease. Therefore, it has been classified as a Variant of Uncertain Significance.

NM_001253852.3(AP4B1):c.2082A>T (p.Leu694Phe)

Genes: AP4B1 (adaptor related protein complex 4 subunit beta 1; minus strand), AP4B1-AS1 (AP4B1 antisense RNA 1; plus strand). Cytogenetic location: 1p13.2.
Variant type: single nucleotide variant.
Coding change: c.2082A>T on transcript NM_001253852.3 (MANE Select); coding-DNA position 2082, A replaced by T.
Protein change: p.Leu694Phe; replaces leucine 694 with phenylalanine.
Molecular consequence: missense variant.
Genome position (GRCh38, 1-based): chr1:113,895,203, T>A on the plus strand (A>T on the coding strand, the complement: AP4B1 is on the minus strand). VCF-style: chr1-113895203-T-A. GRCh37 (hg19) VCF-style: chr1-114437825-T-A.
Other names: c.1785A>T, p.Leu595Phe (NM_001253853.3); c.1578A>T, p.Leu526Phe (NM_001308312.2); c.2082A>T, p.Leu694Phe (NM_006594.5); short protein forms L694F, L595F, L526F.
Identifiers: ClinVar variation 472195 (VCV000472195.6), dbSNP rs1553256829, ClinGen allele CA341706277.